The following is an entry in ClinVar:

ClinVar aggregate classification (germline): Uncertain significance (1 of 4 stars; one submission).

Allele frequency attached by ClinVar (database versions not stated): gnomAD exomes 0.00001; TOPMed 0.00001; ExAC 0.00002; ESP Exome Variant Server 0.00008.
gnomAD v4.1: 5 of 1,614,074 alleles (0.00031%); highest among the groups gnomAD compares: South Asian, 0.0011%; no homozygotes.

Submission:

GeneDx
Classification: Uncertain significance. Last evaluated: 2020-10-29. Review status: criteria provided, single submitter. Criteria: GeneDx Variant Classification Process June 2021. Collection method: clinical testing. Allele origin: germline. Affected: yes.
Comment: In silico analysis supports that this missense variant does not alter protein structure/function; Has not been previously published as pathogenic or benign to our knowledge

NM_003470.3(USP7):c.1597G>A (p.Asp533Asn)

Gene: USP7 (ubiquitin specific peptidase 7; minus strand). Cytogenetic location: 16p13.2.
Variant type: single nucleotide variant.
Coding change: c.1597G>A on transcript NM_003470.3 (MANE Select); coding-DNA position 1597, G replaced by A.
Protein change: p.Asp533Asn; replaces aspartic acid 533 with asparagine.
Molecular consequence: missense variant.
Genome position (GRCh38, 1-based): chr16:8,904,542, C>T on the plus strand (G>A on the coding strand, the complement: USP7 is on the minus strand). VCF-style: chr16-8904542-C-T. GRCh37 (hg19) VCF-style: chr16-8998399-C-T.
Other names: c.1549G>A, p.Asp517Asn (NM_001286457.2); c.1300G>A, p.Asp434Asn (NM_001286458.2); c.1423G>A, p.Asp475Asn (NM_001321858.2); short protein forms D434N, D475N, D517N, D533N.
Identifiers: ClinVar variation 1317394 (VCV001317394.2), dbSNP rs374207468, ClinGen allele CA7895335.